The following is an entry in ClinVar:

NM_001084.5(PLOD3):c.1776C>T (p.Gly592=)

Gene: PLOD3 (procollagen-lysine,2-oxoglutarate 5-dioxygenase 3; minus strand). Cytogenetic location: 7q22.1.
Variant type: single nucleotide variant.
Coding change: c.1776C>T on transcript NM_001084.5 (MANE Select); coding-DNA position 1776, C replaced by T.
Protein change: p.Gly592=; no amino-acid change (glycine 592 retained).
Molecular consequence: synonymous variant.
Genome position (GRCh38, 1-based): chr7:101,208,865, G>A on the plus strand (C>T on the coding strand, the complement: PLOD3 is on the minus strand). VCF-style: chr7-101208865-G-A. GRCh37 (hg19) VCF-style: chr7-100852146-G-A.
Other names: c.1776C>T (NM_001084.4).
Identifiers: ClinVar variation 1601139 (VCV001601139.12), dbSNP rs145632943, ClinGen allele CA4407538.

ClinVar aggregate classification (germline): Benign/Likely benign. Review status: criteria provided, multiple submitters, no conflicts (2 of 4 stars). 3 submissions from 3 submitters: Benign (1); Likely benign (2). Last evaluated 2026-08-11.

Conditions:
PLOD3-related disorder. Also called: PLOD3-related condition.

Allele frequency attached by ClinVar (database versions not stated): ESP Exome Variant Server 0.00008; TOPMed 0.00014; gnomAD exomes 0.00022 and 0.00056; ExAC 0.00050; gnomAD 0.00050 and 0.00051.
gnomAD v4.1: 401 of 1,611,442 alleles (0.025%); highest among the groups gnomAD compares: African/African-American, 0.044%; 2 homozygotes.

Submissions (6):

PreventionGenetics, part of Exact Sciences
Classification: Likely benign for PLOD3-related condition. Last evaluated: 2026-08-11. Review status: criteria provided, single submitter. Criteria: ACMG Guidelines, 2015. Collection method: clinical testing. Allele origin: germline.
Comment: This variant is classified as likely benign based on ACMG/AMP sequence variant interpretation guidelines (Richards et al. 2015 PMID: 25741868, with internal and published modifications).

Labcorp Genetics (formerly Invitae), Labcorp
Classification: Benign. Last evaluated: 2025-12-16. Review status: criteria provided, single submitter. Criteria: Invitae Variant Classification Sherloc (09022015). Collection method: clinical testing. Allele origin: germline.

Blueprint Genetics
Classification: Likely benign. Last evaluated: 2024-05-07. Review status: criteria provided, single submitter. Criteria: ACMG Guidelines, 2015. Collection method: clinical testing. Allele origin: germline.

Dr. Peter K. Rogan Lab, Western University
No classification provided (evidence only). Condition: Clear cell carcinoma of kidney. Review status: no classification provided. Collection method: in vitro. Allele origin: not applicable. Functional consequence: retained intron. Not counted in ClinVar's aggregate classification.

Dr. Peter K. Rogan Lab, Western University
No classification provided (evidence only). Condition: Sarcoma. Review status: no classification provided. Collection method: in vitro. Allele origin: not applicable. Functional consequence: retained intron. Not counted in ClinVar's aggregate classification.

Dr. Peter K. Rogan Lab, Western University
No classification provided (evidence only). Condition: Gastric cancer. Review status: no classification provided. Collection method: in vitro. Allele origin: not applicable. Functional consequence: retained intron. Not counted in ClinVar's aggregate classification.